The following is an entry in ClinVar:

NM_000540.3(RYR1):c.7863C>T (p.His2621=)

Gene: RYR1 (ryanodine receptor 1; plus strand). Cytogenetic location: 19q13.2.
Variant type: single nucleotide variant.
Coding change: c.7863C>T on transcript NM_000540.3 (MANE Select); coding-DNA position 7863, C replaced by T.
Protein change: p.His2621=; no amino-acid change (histidine 2621 retained).
Molecular consequence: synonymous variant.
Genome position (GRCh38, 1-based): chr19:38,502,907, C>T. VCF-style: chr19-38502907-C-T. GRCh37 (hg19) VCF-style: chr19-38993547-C-T.
Other names: p.His2621=; c.7863C>T, p.His2621= (NM_001042723.2).
Identifiers: ClinVar variation 93294 (VCV000093294.36), dbSNP rs2229142, ClinGen allele CA024868.

ClinVar aggregate classification (germline): Benign. Review status: criteria provided, multiple submitters, no conflicts (2 of 4 stars). 20 submissions from 16 submitters: Benign (16). 4 of the submissions do not count toward it. Last evaluated 2026-02-04.

Conditions:
Congenital multicore myopathy with external ophthalmoplegia (CMYO1B). Also called: MULTIMINICORE DISEASE WITH EXTERNAL OPHTHALMOPLEGIA; MULTICORE MYOPATHY; Minicore myopathy with external ophthalmoplegia; Congenital myopathy 1B, autosomal recessive; Minicore myopathy. Identifiers: Orphanet 598, Orphanet 98905, MedGen C1850674, MONDO:0009712, OMIM 255320, HP:0003789.
Central core myopathy (CMYO1A). Also called: CONGENITAL MYOPATHY 1A, AUTOSOMAL DOMINANT, WITH SUSCEPTIBILITY TO MALIGNANT HYPERTHERMIA; Central core disease; Myopathy, central fibrillar. Identifiers: Orphanet 597, MedGen C5830701, MONDO:0007294, OMIM 117000.
Malignant hyperthermia, susceptibility to, 1 (MHS1). Also called: Malignant hyperthermia suceptibility 1; Anesthesia related hyperthermia; Malignant hyperpyrexia; Fulminating hyperpyrexia; Pharmacogenic myopathy; RYR1-Related Malignant Hyperthermia Susceptibility. Identifiers: Orphanet 423, MedGen C2930980, MONDO:0007783, OMIM 145600.
RYR1-related disorder. Also called: RYR1-related condition; RYR1-related disorders. Identifiers: MedGen CN239331.
King Denborough syndrome (KDS). Identifiers: MedGen C1840365, MONDO:0020485, OMIM 619542.

Allele frequency attached by ClinVar (database versions not stated): ESP Exome Variant Server 0.15785; gnomAD 0.16420 and 0.16968; TOPMed 0.17050; gnomAD exomes 0.17776; ExAC 0.18208; 1000 Genomes Project 30x 0.22673; 1000 Genomes Project 0.23782.
gnomAD v4.1: 248,700 of 1,610,390 alleles (15%); highest among the groups gnomAD compares: East Asian, 28%; 21,001 homozygotes.

Submissions (20):

Labcorp Genetics (formerly Invitae), Labcorp
Classification: Benign for RYR1-related disorder. Last evaluated: 2026-02-04. Review status: criteria provided, single submitter. Criteria: Invitae Variant Classification Sherloc (09022015). Collection method: clinical testing. Allele origin: germline.

Blueprint Genetics
Classification: Benign. Last evaluated: 2024-11-28. Review status: criteria provided, single submitter. Criteria: ACMG Guidelines, 2015. Collection method: clinical testing. Allele origin: germline.

Genome-Nilou Lab
Classification: Benign for Central core myopathy. Last evaluated: 2021-11-07. Review status: criteria provided, single submitter. Criteria: ACMG Guidelines, 2015. Collection method: clinical testing. Allele origin: germline. Affected: no.

Genome-Nilou Lab
Classification: Benign for King Denborough syndrome. Last evaluated: 2021-11-07. Review status: criteria provided, single submitter. Criteria: ACMG Guidelines, 2015. Collection method: clinical testing. Allele origin: germline. Affected: no.

Genome-Nilou Lab
Classification: Benign for Congenital multicore myopathy with external ophthalmoplegia. Last evaluated: 2021-11-07. Review status: criteria provided, single submitter. Criteria: ACMG Guidelines, 2015. Collection method: clinical testing. Allele origin: germline. Affected: no.

Color Diagnostics, LLC DBA Color Health
Classification: Benign for Malignant hyperthermia, susceptibility to, 1. Last evaluated: 2019-03-29. Review status: criteria provided, single submitter. Criteria: ACMG Guidelines, 2015. Collection method: clinical testing. Allele origin: germline.

PreventionGenetics, part of Exact Sciences
Classification: Benign. Last evaluated: 2018-04-02. Review status: criteria provided, single submitter. Criteria: ACMG Guidelines, 2015. Collection method: clinical testing. Allele origin: germline.

Illumina Laboratory Services, Illumina
Classification: Benign for Congenital multicore myopathy with external ophthalmoplegia. Last evaluated: 2018-01-13. Review status: criteria provided, single submitter. Criteria: ICSL Variant Classification Criteria 13 December 2019. Collection method: clinical testing. Allele origin: germline.
Comment: This variant was observed in the ICSL laboratory as part of a predisposition screen in an ostensibly healthy population. It had not been previously curated by ICSL or reported in the Human Gene Mutation Database (HGMD: prior to June 1st, 2018), and was therefore a candidate for classification through an automated scoring system. Utilizing variant allele frequency, disease prevalence and penetrance estimates, and inheritance mode, an automated score was calculated to assess if this variant is too frequent to cause the disease. Based on the score and internal cut-off values, a variant classified as benign is not then subjected to further curation. The score for this variant resulted in a classification of benign for this disease.

Illumina Laboratory Services, Illumina
Classification: Benign for Central core myopathy. Last evaluated: 2018-01-13. Review status: criteria provided, single submitter. Criteria: ICSL Variant Classification Criteria 13 December 2019. Collection method: clinical testing. Allele origin: germline.
Comment: the same text as in the submission from Illumina Laboratory Services, Illumina above.

Illumina Laboratory Services, Illumina
Classification: Benign for Malignant hyperthermia, susceptibility to, 1. Last evaluated: 2018-01-13. Review status: criteria provided, single submitter. Criteria: ICSL Variant Classification Criteria 13 December 2019. Collection method: clinical testing. Allele origin: germline.
Comment: the same text as in the submission from Illumina Laboratory Services, Illumina above.

Mayo Clinic Laboratories, Mayo Clinic
Classification: Benign. Last evaluated: 2017-07-24. Review status: criteria provided, single submitter. Criteria: ACMG Guidelines, 2015. Collection method: clinical testing. Allele origin: germline. Observed: 231 variant alleles.

GeneDx
Classification: Benign. Last evaluated: 2016-01-28. Review status: criteria provided, single submitter. Criteria: GeneDx Variant Classification (06012015). Collection method: clinical testing. Allele origin: germline. Affected: yes.
Comment: This variant is considered likely benign or benign based on one or more of the following criteria: it is a conservative change, it occurs at a poorly conserved position in the protein, it is predicted to be benign by multiple in silico algorithms, and/or has population frequency not consistent with disease.

Laboratory for Molecular Medicine, Mass General Brigham Personalized Medicine
Classification: Benign. Last evaluated: 2015-01-13. Review status: criteria provided, single submitter. Criteria: LMM Criteria. Collection method: clinical testing. Allele origin: germline. Observed: 3 variant alleles.
Comment: p.His2621His in exon 49 of RYR1: This variant is not expected to have clinical s ignificance because it does not alter an amino acid residue and is not located w ithin the splice consensus sequence. It has been identified in 18.9% (834/4406) of African American chromosomes from a broad population by the NHLBI Exome Seque ncing Project (dbSNP rs2229142).

Genetic Services Laboratory, University of Chicago
Classification: Benign. Last evaluated: 2013-08-15. Review status: criteria provided, single submitter. Criteria: ACMG Guidelines, 2007. Collection method: clinical testing. Allele origin: germline. Inheritance: Autosomal unknown.

Eurofins Ntd Llc (ga)
Classification: Benign. Last evaluated: 2013-08-09. Review status: criteria provided, single submitter. Criteria: EGL Classification Definitions 2015. Collection method: clinical testing. Allele origin: germline. Observed: 4 variant alleles, 4 heterozygotes.

Breakthrough Genomics
Classification: Benign. Review status: criteria provided, single submitter. Criteria: ACMG Guidelines, 2015. Collection method: not provided. Allele origin: germline. Inheritance: Autosomal recessive inheritance. Affected: yes.

Clinical Genetics, Academic Medical Center
Classification: Benign. Review status: no assertion criteria provided. Collection method: clinical testing. Allele origin: germline. Affected: yes. Study: VKGL Data-share Consensus. Not counted in ClinVar's aggregate classification.

Department of Pathology and Laboratory Medicine, Sinai Health System
Classification: Uncertain significance. Review status: no assertion criteria provided. Collection method: clinical testing. Allele origin: unknown. Affected: yes. Study: The Canadian Open Genetics Repository (COGR). Not counted in ClinVar's aggregate classification.
Comment: Allele frequency is common in at least one population database (frequency: 29.482% in gnomAD_Exomes) based on the frequency threshold of 2.223% for this gene. Variant was observed in a homozygous state in population databases more than expected for disease. 9 reputable source/s reports the variant as benign, but the evidence is not available to the laboratory to perform an independent evaluation. A synonymous variant not located in a splice region.

Joint Genome Diagnostic Labs from Nijmegen and Maastricht, Radboudumc and MUMC+
Classification: Benign. Review status: no assertion criteria provided. Collection method: clinical testing. Allele origin: germline. Affected: yes. Study: VKGL Data-share Consensus. Not counted in ClinVar's aggregate classification.

RYR1 database
No classification provided. Review status: no classification provided. Collection method: not provided. Allele origin: unknown. Not counted in ClinVar's aggregate classification.